The following is an entry in ClinVar:

NM_152564.5(VPS13B):c.5499A>G (p.Lys1833=)

Gene: VPS13B (vacuolar protein sorting 13 homolog B; plus strand). Cytogenetic location: 8q22.2.
Variant type: single nucleotide variant.
Coding change: c.5499A>G on transcript NM_152564.5 (MANE Select); coding-DNA position 5499, A replaced by G.
Protein change: p.Lys1833=; no amino-acid change (lysine 1833 retained).
Molecular consequence: synonymous variant.
Genome position (GRCh38, 1-based): chr8:99,642,089, A>G. VCF-style: chr8-99642089-A-G. GRCh37 (hg19) VCF-style: chr8-100654317-A-G.
Other names: c.5574A>G, p.Lys1858= (NM_017890.5).
Identifiers: ClinVar variation 2781450 (VCV002781450.4), dbSNP rs145048987, ClinGen allele CA183013561.

ClinVar aggregate classification (germline): Likely benign. Review status: criteria provided, multiple submitters, no conflicts (2 of 4 stars). 2 submissions from 2 submitters: Likely benign (2). Last evaluated 2024-10-20.

Conditions:
VPS13B-related disorder. Also called: VPS13B-related condition.
Cohen syndrome (COH1). Also called: PEPPER SYNDROME; Cutis verticis gyrata, retinitis pigmentosa, and sensorineural deafness. Identifiers: Orphanet 193, MedGen C0265223, MONDO:0008999, OMIM 216550.

Allele frequency attached by ClinVar (database versions not stated): gnomAD exomes below 0.00001; ESP Exome Variant Server 0.00008.
gnomAD v4.1: 1 of 1,614,122 alleles (0.000062%); highest among the groups gnomAD compares: Non-Finnish European, 0.000085%; no homozygotes.

Submissions (2):

PreventionGenetics, part of Exact Sciences
Classification: Likely benign for VPS13B-related condition. Last evaluated: 2024-10-20. Review status: criteria provided, single submitter. Criteria: ACMG Guidelines, 2015. Collection method: clinical testing. Allele origin: germline.
Comment: This variant is classified as likely benign based on ACMG/AMP sequence variant interpretation guidelines (Richards et al. 2015 PMID: 25741868, with internal and published modifications).

Labcorp Genetics (formerly Invitae), Labcorp
Classification: Likely benign for Cohen syndrome. Last evaluated: 2023-03-18. Review status: criteria provided, single submitter. Criteria: Invitae Variant Classification Sherloc (09022015). Collection method: clinical testing. Allele origin: germline.